The following is an entry in ClinVar:

ClinVar aggregate classification (germline): Conflicting classifications of pathogenicity. Review status: criteria provided, conflicting classifications (1 of 4 stars). 5 submissions from 5 submitters: Uncertain significance (4); Likely benign (1). Last evaluated 2026-05-05.

Conditions:
OPA1-related disorder. Also called: OPA1-related condition; OPA1-related disorders.

Allele frequency attached by ClinVar (database versions not stated): ExAC 0.00001; gnomAD 0.00001; gnomAD exomes 0.00001 and 0.00008; TOPMed 0.00001.

Submissions (5):

Women's Health and Genetics/Laboratory Corporation of America, LabCorp
Classification: Uncertain significance. Last evaluated: 2026-05-05. Review status: criteria provided, single submitter. Criteria: LabCorp Variant Classification Summary - May 2015. Collection method: clinical testing. Allele origin: germline.
Comment: Variant summary: OPA1 c.572C>T (p.Thr191Met) results in a non-conservative amino acid change in the encoded protein sequence. Algorithms developed to predict the effect of missense changes on protein structure and function all suggest that this variant is likely to be disruptive. The variant allele was found at a frequency of 8e-06 in 251378 control chromosomes (gnomAD). The available data on variant occurrences in the general population are insufficient to allow any conclusion about variant significance. c.572C>T has been observed in individuals affected with OPA1-Related Disorders (Traboulsee_2017, Weisschuh_2021). These reports do not provide unequivocal conclusions about association of the variant with OPA1-Related Disorders. To our knowledge, no experimental evidence demonstrating an impact on protein function has been reported. The following publications have been ascertained in the context of this evaluation (PMID: 28337550, 34242285). ClinVar contains an entry for this variant (Variation ID: 1331137). Based on the evidence outlined above, the variant was classified as uncertain significance.

PreventionGenetics, part of Exact Sciences
Classification: Uncertain significance for OPA1-related condition. Last evaluated: 2026-04-24. Review status: criteria provided, single submitter. Criteria: ACMG Guidelines, 2015. Collection method: clinical testing. Allele origin: germline.
Comment: The OPA1 c.626C>T variant is predicted to result in the amino acid substitution p.Thr209Met. This variant, also referred to as c.572C>T (p.Thr191Met) in alternate transcript NM_015560, was reported in a large cohort study of patients with optic atrophy (Weisschuh et al. 2021. PubMed ID: 34242285). This variant is reported in 0.0018% of alleles in individuals of European (non-Finnish) descent in gnomAD. At this time, the clinical significance of this variant is uncertain due to the absence of conclusive functional and genetic evidence.

Labcorp Genetics (formerly Invitae), Labcorp
Classification: Likely benign. Last evaluated: 2026-01-26. Review status: criteria provided, single submitter. Criteria: Invitae Variant Classification Sherloc (09022015). Collection method: clinical testing. Allele origin: germline.

Blueprint Genetics
Classification: Uncertain significance. Last evaluated: 2021-08-02. Review status: criteria provided, single submitter. Criteria: ACMG Guidelines, 2015. Collection method: clinical testing. Allele origin: germline.

GeneDx
Classification: Uncertain significance. Last evaluated: 2021-06-30. Review status: criteria provided, single submitter. Criteria: GeneDx Variant Classification Process June 2021. Collection method: clinical testing. Allele origin: germline. Affected: yes.
Comment: Not observed at significant frequency in large population cohorts (Lek et al., 2016); In silico analysis supports that this missense variant has a deleterious effect on protein structure/function; Has not been previously published as pathogenic or benign to our knowledge; This variant is associated with the following publications: (PMID: 27535533)

Literature cited by the submitters: PubMed 28337550 (cited by Women's Health and Genetics/Laboratory Corporation of America, LabCorp); PubMed 34242285 (cited by Women's Health and Genetics/Laboratory Corporation of America, LabCorp).

NM_130837.3(OPA1):c.626C>T (p.Thr209Met)

Genes: OPA1 (OPA1 mitochondrial dynamin like GTPase; plus strand), OPA1-AS1 (OPA1 antisense RNA 1; minus strand). Cytogenetic location: 3q29.
Variant type: single nucleotide variant.
Coding change: c.626C>T on transcript NM_130837.3 (MANE Select); coding-DNA position 626, C replaced by T.
Protein change: p.Thr209Met; replaces threonine 209 with methionine.
Molecular consequence: missense variant. On other transcripts: non-coding transcript variant (1).
Genome position (GRCh38, 1-based): chr3:193,618,884, C>T. VCF-style: chr3-193618884-C-T. GRCh37 (hg19) VCF-style: chr3-193336673-C-T.
Other names: c.626C>T (NM_130837.2); c.572C>T, p.Thr191Met (NM_130836.3, NM_015560.3); c.518C>T, p.Thr173Met (NM_130835.3, NM_130832.3); c.464C>T, p.Thr155Met (NM_130831.3, NM_130833.3); c.626C>T, p.Thr209Met (NM_130834.3); c.92C>T, p.Thr31Met (NM_001354663.2); c.200C>T, p.Thr67Met (NM_001354664.2); short protein forms T155M, T173M, T191M, T209M, T31M, T67M.
Identifiers: ClinVar variation 1331137 (VCV001331137.9), dbSNP rs772596317, ClinGen allele CA2759084.